The following is an entry in ClinVar:

ClinVar aggregate classification (germline): Uncertain significance (1 of 4 stars; one submission).

Submission:

GeneDx
Classification: Uncertain significance. Last evaluated: 2024-07-09. Review status: criteria provided, single submitter. Criteria: GeneDx Variant Classification Process June 2021. Collection method: clinical testing. Allele origin: germline. Affected: yes.
Comment: Not observed at significant frequency in large population cohorts (gnomAD); In silico analysis supports that this missense variant has a deleterious effect on protein structure/function; Has not been previously published as pathogenic or benign to our knowledge

NM_001365999.1(SZT2):c.9161T>A (p.Val3054Glu)

Gene: SZT2 (SZT2 subunit of KICSTOR complex; plus strand). Cytogenetic location: 1p34.2.
Variant type: single nucleotide variant.
Coding change: c.9161T>A on transcript NM_001365999.1 (MANE Select); coding-DNA position 9161, T replaced by A.
Protein change: p.Val3054Glu; replaces valine 3054 with glutamic acid.
Molecular consequence: missense variant.
Genome position (GRCh38, 1-based): chr1:43,447,043, T>A. VCF-style: chr1-43447043-T-A. GRCh37 (hg19) VCF-style: chr1-43912714-T-A.
Other names: c.8990T>A, p.Val2997Glu (NM_015284.4); short protein forms V2997E, V3054E.
Identifiers: ClinVar variation 3572546 (VCV003572546.1).
Genomic context (GRCh38, chr1:43,447,043, plus strand): 5'-ACAAGGTGCGGGACCTGATGCACGTGCACTCGTTCAGCTATGACTTCCATCTGCGCCTCG[T>A]GCATCAGCACGTGCTAGGTGCCCATCTGGTGCTGCGGCACGGCTACCACCTCACCACCTT-3'
Protein context (NP_001352928.1, residues 3044-3064): SFSYDFHLRL[Val3054Glu]HQHVLGAHLV